The following is an entry in ClinVar:

NM_004006.3(DMD):c.7337C>T (p.Thr2446Ile)

Gene: DMD (dystrophin; minus strand). Cytogenetic location: Xp21.1.
Variant type: single nucleotide variant.
Coding change: c.7337C>T on transcript NM_004006.3 (MANE Select); coding-DNA position 7337, C replaced by T.
Protein change: p.Thr2446Ile; replaces threonine 2446 with isoleucine.
Molecular consequence: missense variant. On other transcripts: 5 prime UTR variant (5).
Genome position (GRCh38, 1-based): chrX:31,774,165, G>A on the plus strand (C>T on the coding strand, the complement: DMD is on the minus strand). VCF-style: chrX-31774165-G-A. GRCh37 (hg19) VCF-style: chrX-31792282-G-A.
Other names: c.7313C>T, p.Thr2438Ile (NM_000109.4); c.7325C>T, p.Thr2442Ile (NM_004009.3); c.6968C>T, p.Thr2323Ile (NM_004010.3); c.3314C>T, p.Thr1105Ile (NM_004011.4); c.3305C>T, p.Thr1102Ile (NM_004012.4); c.-44C>T (NM_004013.3, NM_004020.4, NM_004021.3 and 2 more transcripts); short protein forms T1102I, T1105I, T2323I, T2438I, T2442I, T2446I.
Identifiers: ClinVar variation 3609687 (VCV003609687.2).

ClinVar aggregate classification (germline): Uncertain significance (1 of 4 stars; one submission).

Conditions:
Duchenne muscular dystrophy (DMD). Also called: MUSCULAR DYSTROPHY, PSEUDOHYPERTROPHIC PROGRESSIVE, DUCHENNE TYPE; Duchenne Muscular Dystrophy (DMD). Identifiers: Orphanet 98896, MedGen C0013264, MONDO:0010679, OMIM 310200.

Submission:

Labcorp Genetics (formerly Invitae), Labcorp
Classification: Uncertain significance for Duchenne muscular dystrophy. Last evaluated: 2024-06-12. Review status: criteria provided, single submitter. Criteria: Invitae Variant Classification Sherloc (09022015). Collection method: clinical testing. Allele origin: germline.
Comment: This sequence change replaces threonine, which is neutral and polar, with isoleucine, which is neutral and non-polar, at codon 2446 of the DMD protein (p.Thr2446Ile). This variant is not present in population databases (gnomAD no frequency). This variant has not been reported in the literature in individuals affected with DMD-related conditions. Advanced modeling of protein sequence and biophysical properties (such as structural, functional, and spatial information, amino acid conservation, physicochemical variation, residue mobility, and thermodynamic stability) performed at Invitae indicates that this missense variant is not expected to disrupt DMD protein function with a negative predictive value of 95%. In summary, the available evidence is currently insufficient to determine the role of this variant in disease. Therefore, it has been classified as a Variant of Uncertain Significance.